The following is an entry in ClinVar:

NM_005475.3(SH2B3):c.647G>A (p.Arg216His)

Gene: SH2B3 (SH2B adaptor protein 3; plus strand). Cytogenetic location: 12q24.12.
Variant type: single nucleotide variant.
Coding change: c.647G>A on transcript NM_005475.3 (MANE Select); coding-DNA position 647, G replaced by A.
Protein change: p.Arg216His; replaces arginine 216 with histidine.
Molecular consequence: missense variant.
Genome position (GRCh38, 1-based): chr12:111,418,792, G>A. VCF-style: chr12-111418792-G-A. GRCh37 (hg19) VCF-style: chr12-111856596-G-A.
Other names: short protein forms R216H.
Identifiers: ClinVar variation 5029491 (VCV005029491.1).
Genomic context (GRCh38, chr12:111,418,792, plus strand): 5'-TGAAGGAGGCGGTGCTGCGCTACAGCCTGGCCGACGAGGCCTCCATGGACAGCGGGGCAC[G>A]CTGGCAGCGCGGGAGGCTGGCGCTGCGCCGGGCCCCGGGCCCCGATGGCCCCGACCGCGT-3'
Protein context (NP_005466.1, residues 206-226): ADEASMDSGA[Arg216His]WQRGRLALRR

ClinVar aggregate classification (germline): Uncertain significance (1 of 4 stars; one submission).

Conditions:
Inborn genetic diseases. Identifiers: MedGen C0950123, MeSH D030342.

gnomAD v4.1: 2 of 1,456,478 alleles (0.00014%); highest among the groups gnomAD compares: Admixed American, 0.0027%; no homozygotes.

Submission:

Ambry Genetics
Classification: Uncertain significance for Inborn genetic diseases. Last evaluated: 2026-07-30. Review status: criteria provided, single submitter. Criteria: Ambry Variant Classification Scheme 2023. Collection method: clinical testing. Allele origin: germline.
Comment: The p.R216H variant (also known as c.647G>A), located in coding exon 1 of the SH2B3 gene, results from a G to A substitution at nucleotide position 647. The arginine at codon 216 is replaced by histidine, an amino acid with highly similar properties. This amino acid position is conserved. In addition, this alteration is predicted to be tolerated by in silico analysis. Based on the available evidence, the clinical significance of this variant remains unclear.